The following is an entry in ClinVar:

ClinVar aggregate classification (germline): Uncertain significance (1 of 4 stars; one submission).

Submission:

GeneDx
Classification: Uncertain significance. Last evaluated: 2022-02-06. Review status: criteria provided, single submitter. Criteria: GeneDx Variant Classification Process June 2021. Collection method: clinical testing. Allele origin: germline. Affected: yes.
Comment: Not observed at significant frequency in large population cohorts (gnomAD); In silico analysis supports that this missense variant has a deleterious effect on protein structure/function; Has not been previously published as pathogenic or benign to our knowledge

NM_020699.4(GATAD2B):c.532G>C (p.Ala178Pro)

Gene: GATAD2B (GATA zinc finger domain containing 2B; minus strand). Cytogenetic location: 1q21.3.
Variant type: single nucleotide variant.
Coding change: c.532G>C on transcript NM_020699.4 (MANE Select); coding-DNA position 532, G replaced by C.
Protein change: p.Ala178Pro; replaces alanine 178 with proline.
Molecular consequence: missense variant.
Genome position (GRCh38, 1-based): chr1:153,818,856, C>G on the plus strand (G>C on the coding strand, the complement: GATAD2B is on the minus strand). VCF-style: chr1-153818856-C-G. GRCh37 (hg19) VCF-style: chr1-153791332-C-G.
Other names: short protein forms A178P.
Identifiers: ClinVar variation 1700356 (VCV001700356.2), dbSNP rs2101882325, ClinGen allele CA342532908.